The following is an entry in ClinVar:

NM_001256317.3(TMPRSS3):c.307G>A (p.Asp103Asn)

Gene: TMPRSS3 (transmembrane serine protease 3; minus strand). Cytogenetic location: 21q22.3.
Variant type: single nucleotide variant.
Coding change: c.307G>A on transcript NM_001256317.3 (MANE Select); coding-DNA position 307, G replaced by A.
Protein change: p.Asp103Asn; replaces aspartic acid 103 with asparagine.
Molecular consequence: missense variant. On other transcripts: 5 prime UTR variant (1).
Genome position (GRCh38, 1-based): chr21:42,388,944, C>T on the plus strand (G>A on the coding strand, the complement: TMPRSS3 is on the minus strand). VCF-style: chr21-42388944-C-T. GRCh37 (hg19) VCF-style: chr21-43809053-C-T.
Other names: c.307G>A, p.Asp103Asn (NM_024022.4, NM_032405.2); c.-75G>A (NM_032404.3); short protein forms D103N.
Identifiers: ClinVar variation 1064906 (VCV001064906.4), dbSNP rs2052684166, ClinGen allele CA410375589.

ClinVar aggregate classification (germline): Uncertain significance. Review status: criteria provided, multiple submitters, no conflicts (2 of 4 stars). 2 submissions from 2 submitters: Uncertain significance (2). Last evaluated 2024-01-10.

Conditions:
Hearing impairment. Also called: Impaired Hearing. Identifiers: MedGen C1384666, MONDO:0005365, HP:0000365.

Allele frequency attached by ClinVar (database versions not stated): gnomAD exomes below 0.00001; TOPMed below 0.00001.
gnomAD v4.1: 2 of 1,614,128 alleles (0.00012%); highest among the groups gnomAD compares: Non-Finnish European, 0.00017%; no homozygotes.

Submissions (2):

GeneDx
Classification: Uncertain significance. Last evaluated: 2024-01-10. Review status: criteria provided, single submitter. Criteria: GeneDx Variant Classification Process June 2021. Collection method: clinical testing. Allele origin: germline. Affected: yes.
Comment: Not observed in large population cohorts (gnomAD); In silico analysis supports that this missense variant has a deleterious effect on protein structure/function; Has not been previously published as pathogenic or benign to our knowledge

Department of Otolaryngology – Head & Neck Surgery, Cochlear Implant Center
Classification: Uncertain significance for Hearing impairment. Last evaluated: 2021-04-12. Review status: criteria provided, single submitter. Criteria: ClinGen HL ACMG Specifications v1. Collection method: clinical testing. Allele origin: germline. Affected: yes.
Comment: PM2_Moderate, PM5_Moderate, PP3_Supporting